The following is an entry in ClinVar:

NM_001127222.2(CACNA1A):c.2955_2958dup (p.Arg987fs)

Gene: CACNA1A (calcium voltage-gated channel subunit alpha1 A; minus strand). Cytogenetic location: 19p13.13.
Variant type: Microsatellite.
Coding change: c.2955_2958dup on transcript NM_001127222.2 (MANE Select); coding-DNA positions 2955 to 2958, 4 bases duplicated (GGCC; older notation c.2955_2958dupGGCC).
Protein change: p.Arg987fs; shifts the reading frame from arginine 987.
Molecular consequence: frameshift variant.
Genome position (GRCh38, 1-based): chr19:13,298,675-13,298,678, GGCC duplicated on the plus strand (GGCC on the coding strand, the reverse complement: CACNA1A is on the minus strand); duplicating any 4 consecutive bases within chr19:13,298,675-13,298,685 gives the same sequence; the c. name uses the placement nearest the transcript's 3' end. VCF-style (leftmost placement, unchanged base first): chr19-13298674-G-GGGCC. GRCh37 (hg19) VCF-style: chr19-13409488-G-GGGCC.
Other names: c.2967_2970dup, p.Arg991fs (NM_000068.4, NM_023035.3); c.2958_2961dup, p.Arg988fs (NM_001127221.2, NM_001174080.2); short protein forms R987fs, R988fs, R991fs.
Identifiers: ClinVar variation 1806865 (VCV001806865.1), dbSNP rs2512905523, ClinGen allele CA2580613074.

ClinVar aggregate classification (germline): Pathogenic (1 of 4 stars; one submission).

Submission:

Athena Diagnostics
Classification: Pathogenic. Last evaluated: 2022-02-16. Review status: criteria provided, single submitter. Criteria: Athena Diagnostics Criteria. Collection method: clinical testing. Allele origin: unknown.
Comment: This variant is expected to result in the loss of a functional protein. This variant has not been reported in large, multi-ethnic general populations. This variant has been identified in at least one individual tested at Athena Diagnostics with clinical features associated with this gene.